The following is an entry in ClinVar:

ClinVar aggregate classification (germline): Uncertain significance (1 of 4 stars; one submission).

gnomAD v4.1: 1 of 1,491,682 alleles (0.000067%); highest among the groups gnomAD compares: Non-Finnish European, 0.000091%; no homozygotes.

Submission:

Labcorp Genetics (formerly Invitae), Labcorp
Classification: Uncertain significance. Last evaluated: 2022-12-02. Review status: criteria provided, single submitter. Criteria: Invitae Variant Classification Sherloc (09022015). Collection method: clinical testing. Allele origin: germline.
Comment: In summary, the available evidence is currently insufficient to determine the role of this variant in disease. Therefore, it has been classified as a Variant of Uncertain Significance. Algorithms developed to predict the effect of missense changes on protein structure and function output the following: SIFT: "Tolerated"; PolyPhen-2: "Benign"; Align-GVGD: "Class C0". The leucine amino acid residue is found in multiple mammalian species, which suggests that this missense change does not adversely affect protein function. This variant has not been reported in the literature in individuals affected with IL6ST-related conditions. This variant is not present in population databases (gnomAD no frequency). This sequence change replaces valine, which is neutral and non-polar, with leucine, which is neutral and non-polar, at codon 350 of the IL6ST protein (p.Val350Leu).

NM_002184.4(IL6ST):c.1048G>C (p.Val350Leu)

Gene: IL6ST (interleukin 6 cytokine family signal transducer; minus strand). Cytogenetic location: 5q11.2.
Variant type: single nucleotide variant.
Coding change: c.1048G>C on transcript NM_002184.4 (MANE Select); coding-DNA position 1048, G replaced by C.
Protein change: p.Val350Leu; replaces valine 350 with leucine.
Molecular consequence: missense variant. On other transcripts: non-coding transcript variant (2), intron variant (2).
Genome position (GRCh38, 1-based): chr5:55,957,217, C>G on the plus strand (G>C on the coding strand, the complement: IL6ST is on the minus strand). VCF-style: chr5-55957217-C-G. GRCh37 (hg19) VCF-style: chr5-55253045-C-G.
Other names: c.1048G>C, p.Val350Leu (NM_001190981.2, NM_001364275.2); c.838G>C, p.Val280Leu (NM_001364276.2); c.181G>C, p.Val61Leu (NM_001364277.2); c.145G>C, p.Val49Leu (NM_001364278.2); c.61-982G>C (NM_001364279.2); c.974-982G>C (NM_175767.3); short protein forms V49L, V61L, V280L, V350L.
Identifiers: ClinVar variation 2818054 (VCV002818054.3), dbSNP rs199818715, ClinGen allele CA359764648.